The following is an entry in ClinVar:

NM_181426.2(CCDC39):c.2102T>G (p.Val701Gly)

Gene: CCDC39 (coiled-coil domain 39 molecular ruler complex subunit; minus strand). Cytogenetic location: 3q26.33.
Variant type: single nucleotide variant.
Coding change: c.2102T>G on transcript NM_181426.2 (MANE Select); coding-DNA position 2102, T replaced by G.
Protein change: p.Val701Gly; replaces valine 701 with glycine.
Molecular consequence: missense variant.
Genome position (GRCh38, 1-based): chr3:180,619,867, A>C on the plus strand (T>G on the coding strand, the complement: CCDC39 is on the minus strand). VCF-style: chr3-180619867-A-C. GRCh37 (hg19) VCF-style: chr3-180337655-A-C.
Other names: short protein forms V701G.
Identifiers: ClinVar variation 933638 (VCV000933638.8), dbSNP rs980451572, ClinGen allele CA88630108.

ClinVar aggregate classification (germline): Uncertain significance. Review status: criteria provided, multiple submitters, no conflicts (2 of 4 stars). 2 submissions from 2 submitters: Uncertain significance (2). Last evaluated 2024-10-29.

Conditions:
Primary ciliary dyskinesia. Also called: Ciliary dyskinesia. Identifiers: Orphanet 244, MedGen C0008780, MONDO:0016575, HP:0012265.

Allele frequency attached by ClinVar (database versions not stated): gnomAD 0.00001; gnomAD exomes 0.00001 and 0.00002; TOPMed 0.00002.
gnomAD v4.1: 35 of 1,609,664 alleles (0.0022%); highest among the groups gnomAD compares: Non-Finnish European, 0.0026%; no homozygotes.

Submissions (2):

Ambry Genetics
Classification: Uncertain significance for Primary ciliary dyskinesia. Last evaluated: 2024-10-29. Review status: criteria provided, single submitter. Criteria: Ambry Variant Classification Scheme 2023. Collection method: clinical testing. Allele origin: germline.

Labcorp Genetics (formerly Invitae), Labcorp
Classification: Uncertain significance for Primary ciliary dyskinesia. Last evaluated: 2022-06-13. Review status: criteria provided, single submitter. Criteria: Invitae Variant Classification Sherloc (09022015). Collection method: clinical testing. Allele origin: germline.
Comment: This sequence change replaces valine, which is neutral and non-polar, with glycine, which is neutral and non-polar, at codon 701 of the CCDC39 protein (p.Val701Gly). This variant is present in population databases (no rsID available, gnomAD 0.002%). This variant has not been reported in the literature in individuals affected with CCDC39-related conditions. ClinVar contains an entry for this variant (Variation ID: 933638). Algorithms developed to predict the effect of missense changes on protein structure and function are either unavailable or do not agree on the potential impact of this missense change (SIFT: "Deleterious"; PolyPhen-2: "Possibly Damaging"; Align-GVGD: "Class C0"). In summary, the available evidence is currently insufficient to determine the role of this variant in disease. Therefore, it has been classified as a Variant of Uncertain Significance.